The following is an entry in ClinVar:

NM_001035.3(RYR2):c.9779G>A (p.Arg3260Gln)

Gene: RYR2 (ryanodine receptor 2; plus strand). Cytogenetic location: 1q43.
Variant type: single nucleotide variant.
Coding change: c.9779G>A on transcript NM_001035.3 (MANE Select); coding-DNA position 9779, G replaced by A.
Protein change: p.Arg3260Gln; replaces arginine 3260 with glutamine.
Molecular consequence: missense variant.
Genome position (GRCh38, 1-based): chr1:237,707,147, G>A. VCF-style: chr1-237707147-G-A. GRCh37 (hg19) VCF-style: chr1-237870447-G-A.
Other names: c.9779G>A, p.Arg3260Gln (LRG_402t1); short protein forms R3260Q.
Identifiers: ClinVar variation 582938 (VCV000582938.16), dbSNP rs750415021, ClinGen allele CA087957.

ClinVar aggregate classification (germline): Conflicting classifications of pathogenicity. Review status: criteria provided, conflicting classifications (1 of 4 stars). 4 submissions from 4 submitters: Uncertain significance (2); Likely benign (2). Last evaluated 2025-09-16.

Conditions:
Catecholaminergic polymorphic ventricular tachycardia 1. Also called: VENTRICULAR TACHYCARDIA, CATECHOLAMINERGIC POLYMORPHIC, 1, WITH OR WITHOUT ATRIAL DYSFUNCTION AND/OR DILATED CARDIOMYOPATHY; RYR2-Related Catecholaminergic Polymorphic Ventricular Tachycardia; VENTRICULAR TACHYCARDIA, STRESS-INDUCED POLYMORPHIC 1. Identifiers: Orphanet 3286, MedGen C1631597, MONDO:0011484, OMIM 604772.
Cardiovascular phenotype. Identifiers: MedGen CN230736.
Catecholaminergic polymorphic ventricular tachycardia (CVPT). Also called: Catecholamine-induced polymorphic ventricular tachycardia. Identifiers: Orphanet 3286, MedGen C5574922, MONDO:0017990.
Cardiomyopathy (CMYO). Also called: Cardiomyopathies. Identifiers: Orphanet 167848, MedGen C0878544, MONDO:0004994, HP:0001638. Inheritance: Various modes of inheritance.

Allele frequency attached by ClinVar (database versions not stated): TOPMed 0.00001; gnomAD 0.00001; gnomAD exomes 0.00001 and 0.00004; ExAC 0.00006.
gnomAD v4.1: 19 of 1,613,636 alleles (0.0012%); highest among the groups gnomAD compares: South Asian, 0.0022%; 1 homozygote.

Submissions (4):

Labcorp Genetics (formerly Invitae), Labcorp
Classification: Likely benign for Catecholaminergic polymorphic ventricular tachycardia 1. Last evaluated: 2025-09-16. Review status: criteria provided, single submitter. Criteria: Invitae Variant Classification Sherloc (09022015). Collection method: clinical testing. Allele origin: germline.

Ambry Genetics
Classification: Likely benign for Cardiovascular phenotype. Last evaluated: 2025-01-18. Review status: criteria provided, single submitter. Criteria: Ambry Variant Classification Scheme 2023. Collection method: clinical testing. Allele origin: germline.

Color Diagnostics, LLC DBA Color Health
Classification: Uncertain significance for Cardiomyopathy. Last evaluated: 2024-03-06. Review status: criteria provided, single submitter. Criteria: ACMG Guidelines, 2015. Collection method: clinical testing. Allele origin: germline.
Comment: This missense variant replaces arginine with glutamine at codon 3260 of the RYR2 protein. Computational prediction suggests that this variant may not impact protein structure and function (internally defined REVEL score threshold <= 0.5, PMID: 27666373). To our knowledge, functional studies have not been reported for this variant. This variant has not been reported in individuals affected with cardiovascular disorders in the literature. This variant has been identified in 9/248876 chromosomes in the general population by the Genome Aggregation Database (gnomAD). The available evidence is insufficient to determine the role of this variant in disease conclusively. Therefore, this variant is classified as a Variant of Uncertain Significance.

All of Us Research Program, National Institutes of Health
Classification: Uncertain significance for Catecholaminergic polymorphic ventricular tachycardia. Last evaluated: 2024-01-08. Review status: criteria provided, single submitter. Criteria: ACMG Guidelines, 2015. Collection method: clinical testing. Allele origin: germline. Inheritance: Autosomal dominant inheritance. Observed: 2 variant alleles, 2 heterozygotes.
Comment: This missense variant replaces arginine with glutamine at codon 3260 of the RYR2 protein. Computational prediction suggests that this variant may not impact protein structure and function (internally defined REVEL score threshold <= 0.5, PMID: 27666373). To our knowledge, functional studies have not been reported for this variant. This variant has not been reported in individuals affected with cardiovascular disorders in the literature. This variant has been identified in 9/248876 chromosomes in the general population by the Genome Aggregation Database (gnomAD). The available evidence is insufficient to determine the role of this variant in disease conclusively. Therefore, this variant is classified as a Variant of Uncertain Significance.

This study involves interpretation of variants in research participants for the purpose of population health screening. Participant phenotype was not available at the time of variant classification. Additional details can be found in publication PMID: 35346344, PMCID: PMC8962531

Literature cited by the submitters: PubMed 28087566 (cited by Ambry Genetics).